The following is an entry in ClinVar:

ClinVar aggregate classification (germline): Uncertain significance. Review status: criteria provided, multiple submitters, no conflicts (2 of 4 stars). 2 submissions from 2 submitters: Uncertain significance (2). Last evaluated 2023-06-26.

Allele frequency attached by ClinVar (database versions not stated): gnomAD exomes 0.00001.

Submissions (2):

GeneDx
Classification: Uncertain significance. Last evaluated: 2023-06-26. Review status: criteria provided, single submitter. Criteria: GeneDx Variant Classification Process June 2021. Collection method: clinical testing. Allele origin: germline.
Comment: In silico analysis supports that this missense variant has a deleterious effect on protein structure/function; Has not been previously published as pathogenic or benign to our knowledge; Not observed at significant frequency in large population cohorts (gnomAD)

Ambry Genetics
Classification: Uncertain significance. Last evaluated: 2021-07-13. Review status: criteria provided, single submitter. Criteria: Ambry Variant Classification Scheme 2023. Collection method: clinical testing. Allele origin: germline.

NM_012310.5(KIF4A):c.2248G>A (p.Glu750Lys)

Gene: KIF4A (kinesin family member 4A; plus strand). Cytogenetic location: Xq13.1.
Variant type: single nucleotide variant.
Coding change: c.2248G>A on transcript NM_012310.5 (MANE Select); coding-DNA position 2248, G replaced by A.
Protein change: p.Glu750Lys; replaces glutamic acid 750 with lysine.
Molecular consequence: missense variant.
Genome position (GRCh38, 1-based): chrX:70,395,686, G>A. VCF-style: chrX-70395686-G-A. GRCh37 (hg19) VCF-style: chrX-69615536-G-A.
Other names: short protein forms E750K.
Identifiers: ClinVar variation 1804192 (VCV001804192.5), dbSNP rs1423883173, ClinGen allele CA413465178.